The following is an entry in ClinVar:

ClinVar aggregate classification (germline): Uncertain significance (1 of 4 stars; one submission).

Conditions:
TTN-related disorder. Also called: TTN-related disorders; TTN-related condition; TTN-related disease.

Submission:

PreventionGenetics, part of Exact Sciences
Classification: Uncertain significance for TTN-related condition. Last evaluated: 2026-05-26. Review status: criteria provided, single submitter. Criteria: ACMG Guidelines, 2015. Collection method: clinical testing. Allele origin: germline.
Comment: The TTN c.92885C>G variant is predicted to result in the amino acid substitution p.Pro30962Arg. To our knowledge, this variant has not been reported in the literature or in a large population database (gnomAD), indicating this variant is rare. At this time, the clinical significance of this variant is uncertain due to the absence of conclusive functional and genetic evidence.

NM_001267550.2(TTN):c.92885C>G (p.Pro30962Arg)

Genes: TTN (titin; minus strand), TTN-AS1 (TTN antisense RNA 1; plus strand). Cytogenetic location: 2q31.2.
Variant type: single nucleotide variant.
Coding change: c.92885C>G on transcript NM_001267550.2 (MANE Select); coding-DNA position 92885, C replaced by G.
Protein change: p.Pro30962Arg; replaces proline 30962 with arginine.
Molecular consequence: missense variant.
Genome position (GRCh38, 1-based): chr2:178,548,741, G>C on the plus strand (C>G on the coding strand, the complement: TTN is on the minus strand). VCF-style: chr2-178548741-G-C. GRCh37 (hg19) VCF-style: chr2-179413468-G-C.
Other names: c.87962C>G, p.Pro29321Arg (NM_001256850.1); c.65690C>G, p.Pro21897Arg (NM_003319.4); c.85181C>G, p.Pro28394Arg (NM_133378.4); c.66065C>G, p.Pro22022Arg (NM_133432.3); c.66266C>G, p.Pro22089Arg (NM_133437.4); short protein forms P22022R, P21897R, P28394R, P30962R, P22089R, P29321R.
Identifiers: ClinVar variation 4982942 (VCV004982942.1).